The following is an entry in ClinVar:

ClinVar aggregate classification (germline): Pathogenic (1 of 4 stars; one submission).

Submission:

Labcorp Genetics (formerly Invitae), Labcorp
Classification: Pathogenic. Last evaluated: 2023-10-22. Review status: criteria provided, single submitter. Criteria: Invitae Variant Classification Sherloc (09022015). Collection method: clinical testing. Allele origin: germline.
Comment: This sequence change creates a premature translational stop signal (p.Asp1366Thrfs*93) in the COL4A2 gene. It is expected to result in an absent or disrupted protein product. Loss-of-function variants in COL4A2 are known to be pathogenic (PMID: 22333902, 30315939). This variant is not present in population databases (gnomAD no frequency). This variant has not been reported in the literature in individuals affected with COL4A2-related conditions. For these reasons, this variant has been classified as Pathogenic.

Literature cited by the submitters: PubMed 22333902; PubMed 30315939.

NM_001846.4(COL4A2):c.4095del (p.Asp1366fs)

Genes: COL4A2 (collagen type IV alpha 2 chain; plus strand), COL4A2-AS1 (COL4A2 antisense RNA 1; minus strand). Cytogenetic location: 13q34.
Variant type: Deletion.
Coding change: c.4095del on transcript NM_001846.4 (MANE Select); coding-DNA position 4095, one base deleted (C; older notation c.4095delC).
Protein change: p.Asp1366fs; shifts the reading frame from aspartic acid 1366.
Molecular consequence: frameshift variant.
Genome position (GRCh38, 1-based): chr13:110,503,438, C deleted. VCF-style (leftmost placement, unchanged base first): chr13-110503437-GC-G. GRCh37 (hg19) VCF-style: chr13-111155784-GC-G.
Other names: short protein forms D1366fs.
Identifiers: ClinVar variation 2770671 (VCV002770671.3), dbSNP rs2502205258, ClinGen allele CA2697551956.